The following is an entry in ClinVar:

NM_025099.6(CTC1):c.591del (p.Val198fs)

Gene: CTC1 (CST telomere replication complex component 1; minus strand). Cytogenetic location: 17p13.1.
Variant type: Deletion.
Coding change: c.591del on transcript NM_025099.6 (MANE Select); coding-DNA position 591, one base deleted (C; older notation c.591delC).
Protein change: p.Val198fs; shifts the reading frame from valine 198.
Molecular consequence: frameshift variant. On other transcripts: non-coding transcript variant (1).
Genome position (GRCh38, 1-based): chr17:8,238,087, G deleted on the plus strand (C on the coding strand, the reverse complement: CTC1 is on the minus strand); the first of 4 consecutive G bases (chr17:8,238,087-8,238,090); deleting any one gives the same sequence. VCF-style (leftmost placement, unchanged base first): chr17-8238086-CG-C. GRCh37 (hg19) VCF-style: chr17-8141404-CG-C.
Other names: short protein forms V198fs.
Identifiers: ClinVar variation 1076259 (VCV001076259.9), dbSNP rs1567613669, ClinGen allele CA624869601.

ClinVar aggregate classification (germline): Pathogenic/Likely pathogenic. Review status: criteria provided, multiple submitters, no conflicts (2 of 4 stars). 2 submissions from 2 submitters: Pathogenic (1); Likely pathogenic (1). Last evaluated 2018-05-15.

Conditions:
Dyskeratosis congenita. Identifiers: Orphanet 1775, MedGen C0265965, MONDO:0015780.
Cerebroretinal microangiopathy with calcifications and cysts 1 (CRMCC1). Identifiers: Orphanet 313838, MedGen C4552029, MONDO:0024564, OMIM 612199.

Submissions (2):

Labcorp Genetics (formerly Invitae), Labcorp
Classification: Pathogenic for Dyskeratosis congenita. Last evaluated: 2018-05-15. Review status: criteria provided, single submitter. Criteria: Invitae Variant Classification Sherloc (09022015). Collection method: clinical testing. Allele origin: germline.
Comment: For these reasons, this variant has been classified as Pathogenic. Loss-of-function variants in CTC1 are known to be pathogenic (PMID: 22267198, 22387016). This variant has not been reported in the literature in individuals with CTC1-related disease. This variant is not present in population databases (ExAC no frequency). This sequence change creates a premature translational stop signal (p.Val198Serfs*33) in the CTC1 gene. It is expected to result in an absent or disrupted protein product.

Juno Genomics, Hangzhou Juno Genomics, Inc
Classification: Likely pathogenic for Cerebroretinal microangiopathy with calcifications and cysts 1. Review status: criteria provided, single submitter. Criteria: ACMG Guidelines, 2015. Collection method: clinical testing. Allele origin: germline.
Comment: Null variant in a gene where loss of function (LOF) is a known mechanism of disease.;Absent from controls (or at extremely low frequency if recessive) in Genome Aggregation Database.

Literature cited by the submitters: PubMed 22267198 (cited by Labcorp Genetics (formerly Invitae), Labcorp); PubMed 22387016 (cited by Labcorp Genetics (formerly Invitae), Labcorp).